The following is an entry in ClinVar:

ClinVar aggregate classification (germline): Uncertain significance (1 of 4 stars; one submission).

gnomAD v4.1: 1 of 1,614,190 alleles (0.000062%); highest among the groups gnomAD compares: Non-Finnish European, 0.000085%; no homozygotes.

Submission:

GeneDx
Classification: Uncertain significance. Last evaluated: 2026-01-26. Review status: criteria provided, single submitter. Criteria: GeneDx Variant Classification Process June 2021. Collection method: clinical testing. Allele origin: germline.
Comment: Has not been previously published as pathogenic or benign to our knowledge; Not observed at significant frequency in large population cohorts (gnomAD); In silico analysis supports that this missense variant has a deleterious effect on protein structure/function

NM_005909.5(MAP1B):c.4018C>T (p.Pro1340Ser)

Gene: MAP1B (microtubule associated protein 1B; plus strand). Cytogenetic location: 5q13.2.
Variant type: single nucleotide variant.
Coding change: c.4018C>T on transcript NM_005909.5 (MANE Select); coding-DNA position 4018, C replaced by T.
Protein change: p.Pro1340Ser; replaces proline 1340 with serine.
Molecular consequence: missense variant.
Genome position (GRCh38, 1-based): chr5:72,197,373, C>T. VCF-style: chr5-72197373-C-T. GRCh37 (hg19) VCF-style: chr5-71493200-C-T.
Other names: c.3640C>T, p.Pro1214Ser (NM_001324255.2); short protein forms P1214S, P1340S.
Identifiers: ClinVar variation 4891433 (VCV004891433.1).